The following is an entry in ClinVar:

NM_006565.4(CTCF):c.1028A>G (p.Tyr343Cys)

Gene: CTCF (CCCTC-binding factor; plus strand). Cytogenetic location: 16q22.1.
Variant type: single nucleotide variant.
Coding change: c.1028A>G on transcript NM_006565.4 (MANE Select); coding-DNA position 1028, A replaced by G.
Protein change: p.Tyr343Cys; replaces tyrosine 343 with cysteine.
Molecular consequence: missense variant.
Genome position (GRCh38, 1-based): chr16:67,616,820, A>G. VCF-style: chr16-67616820-A-G. GRCh37 (hg19) VCF-style: chr16-67650723-A-G.
Other names: c.44A>G, p.Tyr15Cys (NM_001191022.2); c.1028A>G, p.Tyr343Cys (NM_001363916.2, NM_001438968.1, NM_001438969.1); short protein forms Y15C, Y343C.
Identifiers: ClinVar variation 5042025 (VCV005042025.1).

ClinVar aggregate classification (germline): Likely pathogenic (1 of 4 stars; one submission).

Conditions:
CTCF-related neurodevelopmental disorder. Also called: Intellectual disability-feeding difficulties-developmental delay-microcephaly syndrome; INTELLECTUAL DEVELOPMENTAL DISORDER, AUTOSOMAL DOMINANT 21. Identifiers: Orphanet 363611, MedGen C3809686, MONDO:0014213, OMIM 615502.

gnomAD v4.1: 1 of 1,614,168 alleles (0.000062%); highest among the groups gnomAD compares: Non-Finnish European, 0.000085%; no homozygotes.

Submission:

Clinical Genetics Laboratory, University Hospital Schleswig-Holstein
Classification: Likely pathogenic for CTCF-related neurodevelopmental disorder. Last evaluated: 2025-03-03. Review status: criteria provided, single submitter. Criteria: ACMG Guidelines, 2015. Collection method: clinical testing. Allele origin: germline. Affected: yes. Observed: 1 heterozygote.
Comment: ACMG criteria applied: PM2, PP3, PM1, PP4